The following is an entry in ClinVar:

ClinVar aggregate classification (germline): Likely benign (1 of 4 stars; one submission).

Conditions:
MELAS syndrome (MELAS). Also called: Juvenile myopathy, encephalopathy, lactic acidosis, stroke. Identifiers: Orphanet 550, MedGen C0162671, MONDO:0010789, OMIM 540000.

Submission:

Wong Mito Lab, Molecular and Human Genetics, Baylor College of Medicine
Classification: Likely benign for MELAS syndrome. Last evaluated: 2019-07-12. Review status: criteria provided, single submitter. Criteria: Modified ACMG Guidelines (Unpublished). Collection method: clinical testing. Allele origin: germline.
Comment: The NC_012920.1:m.5600A>G variant in MT-TA gene is interpreted to be a Likely Benign variant based on the modified ACMG guidelines (unpublished). This variant meets the following evidence codes reported in the guidelines: BS2, BP4, BP6

Literature cited by the submitters: PubMed 31965079.

NC_012920.1(MT-TA):m.5600A>G

Gene: MT-TA (mitochondrially encoded tRNA alanine; minus strand).
Variant type: single nucleotide variant.
Genome position: chrM-5600-A-G.
Identifiers: ClinVar variation 689951 (VCV000689951.1), dbSNP rs1603220045, ClinGen allele CA913179965.